The following is an entry in ClinVar:

NM_005157.6(ABL1):c.595G>A (p.Val199Ile)

Gene: ABL1 (ABL proto-oncogene 1, non-receptor tyrosine kinase; plus strand). Cytogenetic location: 9q34.12.
Variant type: single nucleotide variant.
Coding change: c.595G>A on transcript NM_005157.6 (MANE Select); coding-DNA position 595, G replaced by A.
Protein change: p.Val199Ile; replaces valine 199 with isoleucine.
Molecular consequence: missense variant.
Genome position (GRCh38, 1-based): chr9:130,862,808, G>A. VCF-style: chr9-130862808-G-A. GRCh37 (hg19) VCF-style: chr9-133738195-G-A.
Other names: c.652G>A, p.Val218Ile (NM_007313.3); short protein forms V199I, V218I.
Identifiers: ClinVar variation 2820433 (VCV002820433.3), dbSNP rs1367135710, ClinGen allele CA375262437.

ClinVar aggregate classification (germline): Uncertain significance (1 of 4 stars; one submission).

Allele frequency attached by ClinVar (database versions not stated): TOPMed below 0.00001.

Submission:

Labcorp Genetics (formerly Invitae), Labcorp
Classification: Uncertain significance. Last evaluated: 2023-07-07. Review status: criteria provided, single submitter. Criteria: Invitae Variant Classification Sherloc (09022015). Collection method: clinical testing. Allele origin: germline.
Comment: This sequence change replaces valine, which is neutral and non-polar, with isoleucine, which is neutral and non-polar, at codon 218 of the ABL1 protein (p.Val218Ile). This variant is not present in population databases (gnomAD no frequency). This variant has not been reported in the literature in individuals affected with ABL1-related conditions. Advanced modeling of protein sequence and biophysical properties (such as structural, functional, and spatial information, amino acid conservation, physicochemical variation, residue mobility, and thermodynamic stability) performed at Invitae indicates that this missense variant is expected to disrupt ABL1 protein function. In summary, the available evidence is currently insufficient to determine the role of this variant in disease. Therefore, it has been classified as a Variant of Uncertain Significance.